The following is an entry in ClinVar:

ClinVar aggregate classification (germline): Uncertain significance (1 of 4 stars; one submission).

Submission:

GeneDx
Classification: Uncertain significance. Last evaluated: 2023-12-03. Review status: criteria provided, single submitter. Criteria: GeneDx Variant Classification Process June 2021. Collection method: clinical testing. Allele origin: germline. Affected: yes.
Comment: Not observed at significant frequency in large population cohorts (gnomAD); In silico analysis supports that this missense variant does not alter protein structure/function; Has not been previously published as pathogenic or benign to our knowledge; Variants in candidate genes are classified as variants of uncertain significance in accordance with ACMG guidelines (PMID: 25741868)

NM_032892.5(FRMD5):c.1112C>G (p.Ala371Gly)

Gene: FRMD5 (FERM domain containing 5; minus strand). Cytogenetic location: 15q15.3.
Variant type: single nucleotide variant.
Coding change: c.1112C>G on transcript NM_032892.5 (MANE Select); coding-DNA position 1112, C replaced by G.
Protein change: p.Ala371Gly; replaces alanine 371 with glycine.
Molecular consequence: missense variant. On other transcripts: non-coding transcript variant (1).
Genome position (GRCh38, 1-based): chr15:43,883,726, G>C on the plus strand (C>G on the coding strand, the complement: FRMD5 is on the minus strand). VCF-style: chr15-43883726-G-C. GRCh37 (hg19) VCF-style: chr15-44175924-G-C.
Other names: c.830C>G, p.Ala277Gly (NM_001286490.2); c.410C>G, p.Ala137Gly (NM_001286491.2); c.1112C>G, p.Ala371Gly (NM_001322949.2, NM_001322950.2, NM_001411124.1); c.1007C>G, p.Ala336Gly (NM_001322951.2); short protein forms A137G, A277G, A336G, A371G.
Identifiers: ClinVar variation 3365006 (VCV003365006.1).